The following is an entry in ClinVar:

ClinVar aggregate classification (germline): Uncertain significance (1 of 4 stars; one submission).

Conditions:
Intellectual disability, autosomal dominant 14 (CSS2). Also called: COFFIN-SIRIS SYNDROME 2. Identifiers: Orphanet 1465, MedGen C3553247, MONDO:0013819, OMIM 614607.

Submission:

Laboratorio de Genetica e Diagnostico Molecular, Hospital Israelita Albert Einstein
Classification: Uncertain significance for Intellectual disability, autosomal dominant 14. Last evaluated: 2023-10-11. Review status: criteria provided, single submitter. Criteria: ACMG Guidelines, 2015. Collection method: clinical testing. Allele origin: germline. Affected: yes.
Comment: ACMG classification criteria: PM2 moderate

NM_006015.6(ARID1A):c.780C>T (p.Ser260=)

Genes: ARID1A (AT-rich interaction domain 1A; plus strand), LOC129929837 (ATAC-STARR-seq lymphoblastoid silent region 489; plus strand). Cytogenetic location: 1p36.11.
Variant type: single nucleotide variant.
Coding change: c.780C>T on transcript NM_006015.6 (MANE Select); coding-DNA position 780, C replaced by T.
Protein change: p.Ser260=; no amino-acid change (serine 260 retained).
Molecular consequence: synonymous variant.
Genome position (GRCh38, 1-based): chr1:26,697,183, C>T. VCF-style: chr1-26697183-C-T. GRCh37 (hg19) VCF-style: chr1-27023674-C-T.
Other names: c.780C>T, p.Ser260= (NM_139135.4).
Identifiers: ClinVar variation 3901071 (VCV003901071.1).